The following is an entry in ClinVar:

ClinVar aggregate classification (germline): Pathogenic (1 of 4 stars; one submission).

Conditions:
Wiskott-Aldrich syndrome (WAS). Also called: ALDRICH SYNDROME; IMMUNODEFICIENCY 2; Wiskott-aldrich syndrome, somatic; WISKOTT-ALDRICH SYNDROME 1. Identifiers: Orphanet 906, MedGen C0043194, MONDO:0010518, OMIM 301000.
X-linked severe congenital neutropenia (SCNX). Identifiers: Orphanet 86788, MedGen C1845987, MONDO:0010294, OMIM 300299.
Thrombocytopenia 1. Also called: THROMBOCYTOPENIA, X-LINKED, 1; X-linked thrombocytopenia with normal platelets; X-Linked Thrombocytopenia (XLT). Identifiers: Orphanet 268322, Orphanet 852, MedGen C1839163, MONDO:0010743, OMIM 313900.

Submission:

Labcorp Genetics (formerly Invitae), Labcorp
Classification: Pathogenic for Wiskott-Aldrich syndrome; X-linked severe congenital neutropenia; Thrombocytopenia 1. Last evaluated: 2018-11-17. Review status: criteria provided, single submitter. Criteria: Invitae Variant Classification Sherloc (09022015). Collection method: clinical testing. Allele origin: germline.
Comment: For these reasons, this variant has been classified as Pathogenic. Loss-of-function variants in WAS are known to be pathogenic (PMID: 15284122). This variant has not been reported in the literature in individuals with WAS-related disease. This variant is not present in population databases (ExAC no frequency). This sequence change creates a premature translational stop signal (p.Pro222*) in the WAS gene. It is expected to result in an absent or disrupted protein product.

Literature cited by the submitters: PubMed 15284122.

NM_000377.3(WAS):c.660_664del (p.Ser221_Pro222insTer)

Gene: WAS (WASP actin nucleation promoting factor; plus strand). Cytogenetic location: Xp11.23.
Variant type: Deletion.
Coding change: c.660_664del on transcript NM_000377.3 (MANE Select); coding-DNA positions 660 to 664, 5 bases deleted (TAGCC; older notation c.660_664delTAGCC).
Protein change: p.Ser221_Pro222insTer.
Molecular consequence: frameshift variant.
Genome position (GRCh38, 1-based): chrX:48,686,881-48,686,885, TAGCC deleted; deleting any 5 consecutive bases within chrX:48,686,879-48,686,885 gives the same sequence; the c. name uses the placement nearest the transcript's 3' end. VCF-style (leftmost placement, unchanged base first): chrX-48686878-ACCTAG-A. GRCh37 (hg19) VCF-style: chrX-48545267-ACCTAG-A.
Other names: c.660_664delTAGCC (NM_000377.2).
Identifiers: ClinVar variation 641614 (VCV000641614.6), dbSNP rs1602178184, ClinGen allele CA915951084.